The following is an entry in ClinVar:

NM_000051.4(ATM):c.1504G>A (p.Ala502Thr)

Gene: ATM (ATM serine/threonine kinase; plus strand). Cytogenetic location: 11q22.3.
Variant type: single nucleotide variant.
Coding change: c.1504G>A on transcript NM_000051.4 (MANE Select); coding-DNA position 1504, G replaced by A.
Protein change: p.Ala502Thr; replaces alanine 502 with threonine.
Molecular consequence: missense variant.
Genome position (GRCh38, 1-based): chr11:108,250,969, G>A. VCF-style: chr11-108250969-G-A. GRCh37 (hg19) VCF-style: chr11-108121696-G-A.
Other names: c.1504G>A, p.Ala502Thr (NM_001351834.2); short protein forms A502T.
Identifiers: ClinVar variation 952888 (VCV000952888.10), dbSNP rs2080112799, ClinGen allele CA382534240.

ClinVar aggregate classification (germline): Uncertain significance. Review status: criteria provided, multiple submitters, no conflicts (2 of 4 stars). 2 submissions from 2 submitters: Uncertain significance (2). Last evaluated 2023-03-27.

Conditions:
Ataxia-telangiectasia syndrome (AT). Also called: LOUIS-BAR SYNDROME; Ataxia telangiectasia (A-T); Cerebello-oculocutaneous telangiectasia; Immunodeficiency with ataxia telangiectasia; ATAXIA-TELANGIECTASIA, COMPLEMENTATION GROUP A; ATAXIA-TELANGIECTASIA, FRESNO VARIANT. Identifiers: Orphanet 100, MedGen C0004135, MONDO:0008840, OMIM 208900.
Breast and/or ovarian cancer. Identifiers: MedGen CN221562.

Submissions (2):

CHEO Genetics Diagnostic Laboratory, Children's Hospital of Eastern Ontario
Classification: Uncertain significance for Breast and/or ovarian cancer. Last evaluated: 2023-03-27. Review status: criteria provided, single submitter. Criteria: ACMG Guidelines, 2015. Collection method: clinical testing. Allele origin: germline.

Labcorp Genetics (formerly Invitae), Labcorp
Classification: Uncertain significance for Ataxia-telangiectasia syndrome. Last evaluated: 2019-05-15. Review status: criteria provided, single submitter. Criteria: Invitae Variant Classification Sherloc (09022015). Collection method: clinical testing. Allele origin: germline.
Comment: In summary, the available evidence is currently insufficient to determine the role of this variant in disease. Therefore, it has been classified as a Variant of Uncertain Significance. Algorithms developed to predict the effect of missense changes on protein structure and function output the following: SIFT: "Tolerated"; PolyPhen-2: "Benign"; Align-GVGD: "Class C0". The threonine amino acid residue is found in multiple mammalian species, suggesting that this missense change does not adversely affect protein function. These predictions have not been confirmed by published functional studies and their clinical significance is uncertain. This variant has not been reported in the literature in individuals with ATM-related conditions. This variant is not present in population databases (ExAC no frequency). This sequence change replaces alanine with threonine at codon 502 of the ATM protein (p.Ala502Thr). The alanine residue is weakly conserved and there is a small physicochemical difference between alanine and threonine.